The following is an entry in ClinVar:

ClinVar aggregate classification (germline): Uncertain significance (1 of 4 stars; one submission).

Conditions:
FG syndrome (FGS). Identifiers: MedGen C0220769, MONDO:0002010.

Submission:

Labcorp Genetics (formerly Invitae), Labcorp
Classification: Uncertain significance for FG syndrome. Last evaluated: 2025-08-06. Review status: criteria provided, single submitter. Criteria: Invitae Variant Classification Sherloc (09022015). Collection method: clinical testing. Allele origin: germline.
Comment: This sequence change falls in intron 8 of the MED12 gene. It does not directly change the encoded amino acid sequence of the MED12 protein. It affects a nucleotide within the consensus splice site. This variant is not present in population databases (gnomAD no frequency). This variant has not been reported in the literature in individuals affected with MED12-related conditions. Variants that disrupt the consensus splice site are a relatively common cause of aberrant splicing (PMID: 17576681, 9536098). Algorithms developed to predict the effect of sequence changes on RNA splicing suggest that this variant is not likely to affect RNA splicing. In summary, the available evidence is currently insufficient to determine the role of this variant in disease. Therefore, it has been classified as a Variant of Uncertain Significance.

Literature cited by the submitters: PubMed 17576681; PubMed 9536098.

NM_005120.3(MED12):c.1248+6T>A

Gene: MED12 (mediator complex subunit 12; plus strand). Cytogenetic location: Xq13.1.
Variant type: single nucleotide variant.
Coding change: c.1248+6T>A on transcript NM_005120.3 (MANE Select); 6 bases into the intron after coding-DNA position 1248, T replaced by A.
Molecular consequence: intron variant.
Genome position (GRCh38, 1-based): chrX:71,122,352, T>A. VCF-style: chrX-71122352-T-A. GRCh37 (hg19) VCF-style: chrX-70342202-T-A.
Identifiers: ClinVar variation 4740749 (VCV004740749.1).